The following is an entry in ClinVar:

ClinVar aggregate classification (germline): Uncertain significance (1 of 4 stars; one submission).

Conditions:
Accelerated tumor formation, susceptibility to (ACTFS). Identifiers: MedGen C3280690, OMIM 614401, MONDO:0013733.

Submission:

Labcorp Genetics (formerly Invitae), Labcorp
Classification: Uncertain significance for Accelerated tumor formation, susceptibility to. Last evaluated: 2022-08-17. Review status: criteria provided, single submitter. Criteria: Invitae Variant Classification Sherloc (09022015). Collection method: clinical testing. Allele origin: germline.
Comment: In summary, the available evidence is currently insufficient to determine the role of this variant in disease. Therefore, it has been classified as a Variant of Uncertain Significance. Algorithms developed to predict the effect of missense changes on protein structure and function (SIFT, PolyPhen-2, Align-GVGD) all suggest that this variant is likely to be tolerated. This variant has not been reported in the literature in individuals affected with MDM2-related conditions. This variant is not present in population databases (gnomAD no frequency). This sequence change replaces glutamic acid, which is acidic and polar, with glycine, which is neutral and non-polar, at codon 360 of the MDM2 protein (p.Glu360Gly).

NM_002392.6(MDM2):c.1079A>G (p.Glu360Gly)

Gene: MDM2 (MDM2 proto-oncogene; plus strand). Cytogenetic location: 12q15.
Variant type: single nucleotide variant.
Coding change: c.1079A>G on transcript NM_002392.6 (MANE Select); coding-DNA position 1079, A replaced by G.
Protein change: p.Glu360Gly; replaces glutamic acid 360 with glycine.
Molecular consequence: missense variant.
Genome position (GRCh38, 1-based): chr12:68,839,434, A>G. VCF-style: chr12-68839434-A-G. GRCh37 (hg19) VCF-style: chr12-69233214-A-G.
Other names: c.920A>G, p.Glu307Gly (NM_001145337.3); c.914A>G, p.Glu305Gly (NM_001145339.2); c.473A>G, p.Glu158Gly (NM_001145340.3); c.551A>G, p.Glu184Gly (NM_001278462.2); c.1061A>G, p.Glu354Gly (NM_001367990.1); short protein forms E305G, E307G, E354G, E360G, E158G, E184G.
Identifiers: ClinVar variation 1993941 (VCV001993941.4), dbSNP rs758856084, ClinGen allele CA385704725.